The following is an entry in ClinVar:

NM_000256.3(MYBPC3):c.1666del (p.Val556fs)

Gene: MYBPC3 (myosin binding protein C3; minus strand). Cytogenetic location: 11p11.2.
Variant type: Deletion.
Coding change: c.1666del on transcript NM_000256.3 (MANE Select); coding-DNA position 1666, one base deleted (G; older notation c.1666delG).
Protein change: p.Val556fs; shifts the reading frame from valine 556.
Molecular consequence: frameshift variant.
Genome position (GRCh38, 1-based): chr11:47,342,115, C deleted on the plus strand (G on the coding strand, the reverse complement: MYBPC3 is on the minus strand); the first of 2 consecutive C bases (chr11:47,342,115-47,342,116); deleting either gives the same sequence. VCF-style (leftmost placement, unchanged base first): chr11-47342114-AC-A. GRCh37 (hg19) VCF-style: chr11-47363665-AC-A.
Other names: short protein forms V556fs.
Identifiers: ClinVar variation 2025465 (VCV002025465.4), dbSNP rs2495761423, ClinGen allele CA2580084232.

ClinVar aggregate classification (germline): Pathogenic (1 of 4 stars; one submission).

Conditions:
Hypertrophic cardiomyopathy. Also called: HYPERTROPHIC MYOCARDIOPATHY. Identifiers: Orphanet 217569, MedGen C0007194, MeSH D002312, MONDO:0005045, HP:0001639.

Submission:

Labcorp Genetics (formerly Invitae), Labcorp
Classification: Pathogenic for Hypertrophic cardiomyopathy. Last evaluated: 2024-08-05. Review status: criteria provided, single submitter. Criteria: Invitae Variant Classification Sherloc (09022015). Collection method: clinical testing. Allele origin: germline.
Comment: This sequence change creates a premature translational stop signal (p.Val556Trpfs*23) in the MYBPC3 gene. It is expected to result in an absent or disrupted protein product. Loss-of-function variants in MYBPC3 are known to be pathogenic (PMID: 19574547). This variant is not present in population databases (gnomAD no frequency). This variant has not been reported in the literature in individuals affected with MYBPC3-related conditions. ClinVar contains an entry for this variant (Variation ID: 2025465). For these reasons, this variant has been classified as Pathogenic.

Literature cited by the submitters: PubMed 19574547.